The following is an entry in ClinVar:

NM_001267550.2(TTN):c.78554A>G (p.Lys26185Arg)

Genes: TTN (titin; minus strand), TTN-AS1 (TTN antisense RNA 1; plus strand). Cytogenetic location: 2q31.2.
Variant type: single nucleotide variant.
Coding change: c.78554A>G on transcript NM_001267550.2 (MANE Select); coding-DNA position 78554, A replaced by G.
Protein change: p.Lys26185Arg; replaces lysine 26185 with arginine.
Molecular consequence: missense variant.
Genome position (GRCh38, 1-based): chr2:178,567,578, T>C on the plus strand (A>G on the coding strand, the complement: TTN is on the minus strand). VCF-style: chr2-178567578-T-C. GRCh37 (hg19) VCF-style: chr2-179432305-T-C.
Other names: c.73631A>G, p.Lys24544Arg (NM_001256850.1); c.51359A>G, p.Lys17120Arg (NM_003319.4); c.70850A>G, p.Lys23617Arg (NM_133378.4); c.51734A>G, p.Lys17245Arg (NM_133432.3); c.51935A>G, p.Lys17312Arg (NM_133437.4); short protein forms K23617R, K17312R, K17245R, K26185R, K17120R, K24544R.
Identifiers: ClinVar variation 1745567 (VCV001745567.2), dbSNP rs1455158405, ClinGen allele CA349602370.
Genomic context (GRCh38, chr2:178,567,578, plus strand): 5'-ACCACAATTGTGTCTCTGAATTTTGGATCCATTGAAATTCTTGGGAGTTCAACCTCATCC[T>C]TGGCAGTTATTGGTCCAGTACTGTCAGAGGGTTTACTTATTGCACCAGCTGCATTCTTTG-3'
Protein context (NP_001254479.2, residues 26175-26195): PSDSTGPITA[Lys26185Arg]DEVELPRISM

ClinVar aggregate classification (germline): Uncertain significance (1 of 4 stars; one submission).

Conditions:
Cardiovascular phenotype. Identifiers: MedGen CN230736.

Allele frequency attached by ClinVar (database versions not stated): gnomAD exomes below 0.00001; TOPMed below 0.00001; gnomAD 0.00001.
gnomAD v4.1: 2 of 1,609,696 alleles (0.00012%); highest among the groups gnomAD compares: African/African-American, 0.0027%; no homozygotes.

Submission:

Ambry Genetics
Classification: Uncertain significance for Cardiovascular phenotype. Last evaluated: 2018-02-07. Review status: criteria provided, single submitter. Criteria: Ambry Variant Classification Scheme 2023. Collection method: clinical testing. Allele origin: germline.
Comment: The p.K17120R variant (also known as c.51359A>G), located in coding exon 153 of the TTN gene, results from an A to G substitution at nucleotide position 51359. The lysine at codon 17120 is replaced by arginine, an amino acid with highly similar properties. This amino acid position is not well conserved in available vertebrate species, and arginine is the reference amino acid in other vertebrate species. In addition, this alteration is predicted to be tolerated by in silico analysis. Since supporting evidence is limited at this time, the clinical significance of this alteration remains unclear.